The following is an entry in ClinVar:

NM_173660.5(DOK7):c.925del (p.Glu309fs)

Gene: DOK7 (docking protein 7; plus strand). Cytogenetic location: 4p16.3.
Variant type: Deletion.
Coding change: c.925del on transcript NM_173660.5 (MANE Select); coding-DNA position 925, one base deleted (G; older notation c.925delG).
Protein change: p.Glu309fs; shifts the reading frame from glutamic acid 309.
Molecular consequence: frameshift variant. On other transcripts: 3 prime UTR variant (1), 5 prime UTR variant (1).
Genome position (GRCh38, 1-based): chr4:3,492,911, G deleted; the last of 4 consecutive G bases (chr4:3,492,908-3,492,911); deleting any one gives the same sequence. VCF-style (leftmost placement, unchanged base first): chr4-3492907-CG-C. GRCh37 (hg19) VCF-style: chr4-3494634-CG-C.
Other names: c.*146del (NM_001164673.2); c.-6del (NM_001256896.2); c.925del, p.Glu309fs (NM_001301071.2); c.493del, p.Glu165fs (NM_001363811.2); short protein forms E165fs, E309fs.
Identifiers: ClinVar variation 934350 (VCV000934350.8), dbSNP rs1182982672, ClinGen allele CA794199913.

ClinVar aggregate classification (germline): Pathogenic (1 of 4 stars; one submission).

Conditions:
Congenital myasthenic syndrome 10. Also called: Myasthenia, limb-girdle, familial. Identifiers: Orphanet 590, MedGen C1850792, MONDO:0009690, OMIM 254300.
Fetal akinesia deformation sequence 1 (FADS1). Also called: Pena-Shokeir syndrome type I; Fetal akinesia sequence. Identifiers: Orphanet 994, MedGen C1276035, MONDO:0100101, OMIM 208150, HP:0001989.

Submission:

Labcorp Genetics (formerly Invitae), Labcorp
Classification: Pathogenic for Congenital myasthenic syndrome 10; Fetal akinesia deformation sequence 1. Last evaluated: 2024-05-09. Review status: criteria provided, single submitter. Criteria: Invitae Variant Classification Sherloc (09022015). Collection method: clinical testing. Allele origin: germline.
Comment: This sequence change creates a premature translational stop signal (p.Glu309Lysfs*147) in the DOK7 gene. While this is not anticipated to result in nonsense mediated decay, it is expected to disrupt the last 196 amino acid(s) of the DOK7 protein. This variant is not present in population databases (gnomAD no frequency). This premature translational stop signal has been observed in individual(s) with congenital myasthenic syndrome (PMID: 29395675). This variant is also known as c.922delG. ClinVar contains an entry for this variant (Variation ID: 934350). This variant disrupts a region of the DOK7 protein in which other variant(s) (p.Ala378Serfs*30) have been determined to be pathogenic (PMID: 16917026, 17452375, 18165682, 22661499, 23219351, 23790237). This suggests that this is a clinically significant region of the protein, and that variants that disrupt it are likely to be disease-causing. For these reasons, this variant has been classified as Pathogenic.

Literature cited by the submitters: PubMed 29395675; PubMed 16917026; PubMed 17452375; PubMed 18165682; PubMed 22661499; PubMed 23219351; PubMed 23790237.